The following is an entry in ClinVar:

NM_024120.5(NDUFAF5):c.718-241A>G

Gene: NDUFAF5 (NADH:ubiquinone oxidoreductase complex assembly factor 5; plus strand). Cytogenetic location: 20p12.1.
Variant type: single nucleotide variant.
Coding change: c.718-241A>G on transcript NM_024120.5 (MANE Select); 241 bases into the intron before coding-DNA position 718, A replaced by G.
Molecular consequence: intron variant.
Genome position (GRCh38, 1-based): chr20:13,808,601, A>G. VCF-style: chr20-13808601-A-G. GRCh37 (hg19) VCF-style: chr20-13789247-A-G.
Other names: NC_000020.10:g.13789247A>G; c.157-241A>G (NM_001352407.2, NM_001352406.2); c.634-241A>G (NM_001039375.3); c.247-241A>G (NM_001352403.2).
Identifiers: ClinVar variation 683429 (VCV000683429.2), dbSNP rs885796, ClinGen allele CA311393164.

ClinVar aggregate classification (germline): Benign (1 of 4 stars; one submission).

Allele frequency attached by ClinVar (database versions not stated): 1000 Genomes Project 0.88658; 1000 Genomes Project 30x 0.89085; TOPMed 0.93278; gnomAD 0.93716 and 0.94319.
gnomAD v4.1: 142,611 of 152,156 alleles (94%); highest among the groups gnomAD compares: African/African-American, 98%; 67,018 homozygotes.

Submissions (3):

GeneDx
Classification: Benign. Last evaluated: 2018-06-14. Review status: criteria provided, single submitter. Criteria: GeneDx Variant Classification (06012015). Collection method: clinical testing. Allele origin: germline. Affected: yes.
Comment: This variant is considered likely benign or benign based on one or more of the following criteria: it is a conservative change, it occurs at a poorly conserved position in the protein, it is predicted to be benign by multiple in silico algorithms, and/or has population frequency not consistent with disease.

Dr. Peter K. Rogan Lab, Western University
No classification provided (evidence only). Condition: Lung cancer. Review status: no classification provided. Collection method: in vitro. Allele origin: not applicable. Functional consequence: retained intron. Not counted in ClinVar's aggregate classification.

Dr. Peter K. Rogan Lab, Western University
No classification provided (evidence only). Condition: Gastric cancer. Review status: no classification provided. Collection method: in vitro. Allele origin: not applicable. Functional consequence: retained intron. Not counted in ClinVar's aggregate classification.